The following is an entry in ClinVar:

NM_138576.4(BCL11B):c.908C>A (p.Pro303Gln)

Gene: BCL11B (BCL11 transcription factor B; minus strand). Cytogenetic location: 14q32.2.
Variant type: single nucleotide variant.
Coding change: c.908C>A on transcript NM_138576.4 (MANE Select); coding-DNA position 908, C replaced by A.
Protein change: p.Pro303Gln; replaces proline 303 with glutamine.
Molecular consequence: missense variant.
Genome position (GRCh38, 1-based): chr14:99,175,928, G>T on the plus strand (C>A on the coding strand, the complement: BCL11B is on the minus strand). VCF-style: chr14-99175928-G-T. GRCh37 (hg19) VCF-style: chr14-99642265-G-T.
Other names: c.905C>A, p.Pro302Gln (NM_001282237.2); c.692C>A, p.Pro231Gln (NM_001282238.2); c.695C>A, p.Pro232Gln (NM_022898.3); short protein forms P231Q, P232Q, P302Q, P303Q.
Identifiers: ClinVar variation 1334063 (VCV001334063.4), dbSNP rs752385859, ClinGen allele CA7339772.
Genomic context (GRCh38, chr14:99,175,928, plus strand): 5'-TGGCGCGGCGGGGGACTGAAGAGAGGCGGCGTGCCCGGCAGGCGGCCCTCGCCGAAGCCC[G>T]GGTGGTCCCGCAGGATGGGGCCCGTCATGCGCAGCAGGTTGAAGGGGTTGCTGTCGCCCA-3'
Protein context (NP_612808.1, residues 293-313): RMTGPILRDH[Pro303Gln]GFGEGRLPGT

ClinVar aggregate classification (germline): Uncertain significance. Review status: criteria provided, multiple submitters, no conflicts (2 of 4 stars). 2 submissions from 2 submitters: Uncertain significance (2). Last evaluated 2025-12-01.

Conditions:
Immunodeficiency 49 (IMD49). Also called: SEVERE COMBINED IMMUNODEFICIENCY, T CELL-NEGATIVE, B CELL-POSITIVE, NK CELL-POSITIVE, WITH INTELLECTUAL DISABILITY, SPASTICITY, AND CRANIOFACIAL ABNORMALITIES; SCID, T CELL-NEGATIVE, B CELL-POSITIVE, NK CELL-POSITIVE, WITH INTELLECTUAL DISABILITY, SPASTICITY, AND CRANIOFACIAL ABNORMALITIES; IMMUNODEFICIENCY 49, SEVERE COMBINED. Identifiers: MedGen C4310656, MONDO:0014981, OMIM 617237.

Allele frequency attached by ClinVar (database versions not stated): gnomAD exomes 0.00006; gnomAD 0.00003; TOPMed 0.00003; ExAC 0.00008.
gnomAD v4.1: 91 of 1,446,244 alleles (0.0063%); highest among the groups gnomAD compares: Non-Finnish European, 0.0079%; 1 homozygote.

Submissions (2):

Labcorp Genetics (formerly Invitae), Labcorp
Classification: Uncertain significance. Last evaluated: 2025-12-01. Review status: criteria provided, single submitter. Criteria: Invitae Variant Classification Sherloc (09022015). Collection method: clinical testing. Allele origin: germline.
Comment: This sequence change replaces proline, which is neutral and non-polar, with glutamine, which is neutral and polar, at codon 303 of the BCL11B protein (p.Pro303Gln). The frequency data for this variant in the population databases is considered unreliable, as metrics indicate poor data quality at this position in the gnomAD database. This variant has not been reported in the literature in individuals affected with BCL11B-related conditions. ClinVar contains an entry for this variant (Variation ID: 1334063). Invitae Evidence Modeling of protein sequence and biophysical properties (such as structural, functional, and spatial information, amino acid conservation, physicochemical variation, residue mobility, and thermodynamic stability) indicates that this missense variant is not expected to disrupt BCL11B protein function with a negative predictive value of 95%. In summary, the available evidence is currently insufficient to determine the role of this variant in disease. Therefore, it has been classified as a Variant of Uncertain Significance.

CENTOGENE GmbH and LLC - Guiding Precision Medicine
Classification: Uncertain significance for Immunodeficiency 49. Last evaluated: 2019-02-22. Review status: criteria provided, single submitter. Criteria: ACMG Guidelines, 2015. Collection method: clinical testing. Allele origin: germline.